The following is an entry in ClinVar:

ClinVar aggregate classification (germline): Uncertain significance. Review status: criteria provided, multiple submitters, no conflicts (2 of 4 stars). 3 submissions from 3 submitters: Uncertain significance (3). Last evaluated 2025-10-29.

Conditions:
Developmental delay, hypotonia, musculoskeletal defects, and behavioral abnormalities. Identifiers: MedGen C5562012, MONDO:0859202, OMIM 619595.
Floating-Harbor syndrome (FLHS). Also called: SRCAP-Related Floating-Harbor Syndrome; Short stature with delayed bone age, expressive language delay, a triangular face with a prominent nose and deep-set eyes; Pelletier-Leisti syndrome. Identifiers: Orphanet 2044, MedGen C0729582, MONDO:0007621, OMIM 136140.

Allele frequency attached by ClinVar (database versions not stated): ExAC 0.00001; gnomAD exomes 0.00001; TOPMed 0.00001.

Submissions (3):

Labcorp Genetics (formerly Invitae), Labcorp
Classification: Uncertain significance. Last evaluated: 2025-10-29. Review status: criteria provided, single submitter. Criteria: Invitae Variant Classification Sherloc (09022015). Collection method: clinical testing. Allele origin: germline.
Comment: This variant, c.3024_3026del, results in the deletion of 1 amino acid(s) of the SRCAP protein (p.Val1012del), but otherwise preserves the integrity of the reading frame. This variant is present in population databases (rs754762497, gnomAD 0.007%). This variant has not been reported in the literature in individuals affected with SRCAP-related conditions. ClinVar contains an entry for this variant (Variation ID: 1981702). Experimental studies and prediction algorithms are not available or were not evaluated, and the functional significance of this variant is currently unknown. In summary, the available evidence is currently insufficient to determine the role of this variant in disease. Therefore, it has been classified as a Variant of Uncertain Significance.

Fulgent Genetics
Classification: Uncertain significance for Floating-Harbor syndrome; Developmental delay, hypotonia, musculoskeletal defects, and behavioral abnormalities. Last evaluated: 2024-05-01. Review status: criteria provided, single submitter. Criteria: ACMG Guidelines, 2015. Collection method: clinical testing. Allele origin: germline.

Revvity Omics, Revvity
Classification: Uncertain significance. Last evaluated: 2023-09-26. Review status: criteria provided, single submitter. Criteria: ACMG Guidelines, 2015. Collection method: clinical testing. Allele origin: germline.

NM_006662.3(SRCAP):c.3024_3026del (p.Val1012del)

Gene: SRCAP (Snf2 related CREBBP activator protein; plus strand). Cytogenetic location: 16p11.2.
Variant type: Deletion.
Coding change: c.3024_3026del on transcript NM_006662.3 (MANE Select); coding-DNA positions 3024 to 3026, 3 bases deleted (AGT; older notation c.3024_3026delAGT).
Protein change: p.Val1012del; deletes valine 1012.
Molecular consequence: inframe deletion.
Genome position (GRCh38, 1-based): chr16:30,720,749-30,720,751, AGT deleted. VCF-style (leftmost placement, unchanged base first): chr16-30720748-CAGT-C. GRCh37 (hg19) VCF-style: chr16-30732069-CAGT-C.
Other names: short protein forms V1012del.
Identifiers: ClinVar variation 1981702 (VCV001981702.6), dbSNP rs754762497, ClinGen allele CA8011389.